The following is an entry in ClinVar:

ClinVar aggregate classification (germline): Uncertain significance (1 of 4 stars; one submission).

Conditions:
Hermansky-Pudlak syndrome 2 (HPS2). Also called: Platelet defects and oculocutaneous albinism. Identifiers: Orphanet 183678, Orphanet 79430, MedGen C1842362, MONDO:0011997, OMIM 608233.

Submission:

Labcorp Genetics (formerly Invitae), Labcorp
Classification: Uncertain significance for Hermansky-Pudlak syndrome 2. Last evaluated: 2021-10-20. Review status: criteria provided, single submitter. Criteria: Invitae Variant Classification Sherloc (09022015). Collection method: clinical testing. Allele origin: germline.
Comment: In summary, the available evidence is currently insufficient to determine the role of this variant in disease. Therefore, it has been classified as a Variant of Uncertain Significance. Algorithms developed to predict the effect of missense changes on protein structure and function are either unavailable or do not agree on the potential impact of this missense change (SIFT: "Not Available"; PolyPhen-2: "Possibly Damaging"; Align-GVGD: "Not Available"). This variant has not been reported in the literature in individuals affected with AP3B1-related conditions. The frequency data for this variant in the population databases is not available, as this variant may be reported as separate entries in the ExAC database. This sequence change replaces glutamic acid with leucine at codon 708 of the AP3B1 protein (p.Glu708Leu). The glutamic acid residue is weakly conserved and there is a @moderate physicochemical difference between glutamic acid and leucine.

NM_003664.5(AP3B1):c.2122_2123delinsTT (p.Glu708Leu)

Gene: AP3B1 (adaptor related protein complex 3 subunit beta 1; minus strand). Cytogenetic location: 5q14.1.
Variant type: Indel.
Coding change: c.2122_2123delinsTT on transcript NM_003664.5 (MANE Select); coding-DNA positions 2122 to 2123, GA replaced by TT.
Protein change: p.Glu708Leu; replaces glutamic acid 708 with leucine.
Molecular consequence: missense variant.
Genome position (GRCh38, 1-based): chr5:78,113,878-78,113,879, TC replaced by AA on the plus strand (GA replaced by TT on the coding strand, the reverse complement: AP3B1 is on the minus strand). VCF-style: chr5-78113878-TC-AA. GRCh37 (hg19) VCF-style: chr5-77409702-TC-AA.
Other names: c.1975_1976delinsTT, p.Glu659Leu (NM_001271769.2); short protein forms E659L, E708L.
Identifiers: ClinVar variation 1484823 (VCV001484823.6), dbSNP rs2112260341, ClinGen allele CA2573140147.
Genomic context (GRCh38, chr5:78,113,878, plus strand): 5'-CTCTCACTGTCCTGCTCACTGGAGGAGTCCTCACTGCTGTCCTCATTGCTGTCTCCTTCC[TC>AA]CCCACTTTCGCCTTGTTCTCCACTTTCACTTCCAGATTCACTCTCTGAAAAACAGAACCA-3'
Protein context (NP_003655.3, residues 698-718): SESGEQGESG[Glu708Leu]EGDSNEDSSE